The following is an entry in ClinVar:

NR_125764.1(LINC01322):n.201-50931_201-19041del

Gene: LINC01322 (long intergenic non-protein coding RNA 1322; plus strand). Cytogenetic location: 3q26.1.
Variant type: Deletion.
Identifiers: ClinVar variation 156896 (VCV000156896.2).

ClinVar aggregate classification (germline): not provided. Review status: no classification provided (0 of 4 stars). 3 submissions from 1 submitter: not provided (3).

Conditions:
Normal pregnancy. Identifiers: MedGen C0232989.
Large for gestational age. Identifiers: MedGen C1848395, HP:0001520.
Preeclampsia. Identifiers: Orphanet 275555, MedGen C0032914, MONDO:0005081, HP:0100602.

Submissions (3):

Institute of Molecular and Cell Biology, University of Tartu
No classification provided. Condition: Large for gestational age. Review status: no classification provided. Collection method: case-control. Allele origin: unknown. Affected: yes. Study: Kasak2014.
Comment: The study aimed to determine the contribution of copy number variants in the genetic etiology of normal and complicated pregnancies. The samples represented (i) maternal blood DNA drawn from healthy pregnant women during 1st or 2nd trimester and (ii) maternal and paternal blood DNA drawn at term pregnancy cases representing normal and complicated gestations (severe preeclampsia, PE; gestational diabetes, GD; small-for-gestational age newborn, SGA; large-for-gestational age newborn, LGA). We performed CNV calling based on genome-wide genotyping dataset (Illumina HumanOmniExpress-24-v1 BeadChip) by applying three algorithms, QuantiSNP, GADA (Genome Alteration Detection Algorithm) and CNstream in parallel. The acquired CNV calls were merged with HD-CNV (Hotspot Detector for Copy Number Variants) program and only the CNVs predicted by at least two programs, were considered in subsequent analysis.

Institute of Molecular and Cell Biology, University of Tartu
No classification provided. Condition: Preeclampsia. Review status: no classification provided. Collection method: case-control. Allele origin: unknown. Affected: yes. Study: Kasak2014.
Comment: the same text as in the submission from Institute of Molecular and Cell Biology, University of Tartu above.

Institute of Molecular and Cell Biology, University of Tartu
No classification provided. Condition: Normal pregnancy. Review status: no classification provided. Collection method: case-control. Allele origin: unknown. Affected: yes. Study: Kasak2014.
Comment: the same text as in the submission from Institute of Molecular and Cell Biology, University of Tartu above.

Literature cited by the submitters: PubMed 25666259.